The following is an entry in ClinVar:

NM_005120.3(MED12):c.1488CTC[1] (p.Ser498del)

Genes: MED12 (mediator complex subunit 12; plus strand), LOC126863275 (BRD4-independent group 4 enhancer GRCh37_chrX:70342400-70343599; plus strand). Cytogenetic location: Xq13.1.
Variant type: Microsatellite.
Coding change: c.1488CTC[1] on transcript NM_005120.3 (MANE Select); one copy of the 3-base unit CTC starting at c.1488; the reference has two copies in a row; one copy, 3 bases deleted.
Protein change: p.Ser498del; deletes serine 498.
Molecular consequence: inframe deletion.
Genome position (GRCh38, 1-based): chrX:71,123,100-71,123,102, CTC deleted; deleting any 3 consecutive bases within chrX:71,123,097-71,123,102 gives the same sequence; the position shown is the placement nearest the transcript's 3' end. VCF-style (leftmost placement, unchanged base first): chrX-71123096-TCTC-T. GRCh37 (hg19) VCF-style: chrX-70342946-TCTC-T.
Other names: short protein forms S498del.
Identifiers: ClinVar variation 2673241 (VCV002673241.24), dbSNP rs2519672646, ClinGen allele CA2694024538.

ClinVar aggregate classification (germline): Uncertain significance. Review status: criteria provided, multiple submitters, no conflicts (2 of 4 stars). 2 submissions from 2 submitters: Uncertain significance (2). Last evaluated 2025-10-02.

Conditions:
FG syndrome (FGS). Identifiers: MedGen C0220769, MONDO:0002010.

Submissions (2):

Labcorp Genetics (formerly Invitae), Labcorp
Classification: Uncertain significance for FG syndrome. Last evaluated: 2025-10-02. Review status: criteria provided, single submitter. Criteria: Invitae Variant Classification Sherloc (09022015). Collection method: clinical testing. Allele origin: germline.
Comment: This variant, c.1491_1493del, results in the deletion of 1 amino acid(s) of the MED12 protein (p.Ser498del), but otherwise preserves the integrity of the reading frame. This variant is not present in population databases (gnomAD no frequency). This variant has not been reported in the literature in individuals affected with MED12-related conditions. In summary, the available evidence is currently insufficient to determine the role of this variant in disease. Therefore, it has been classified as a Variant of Uncertain Significance.

CeGaT Center for Human Genetics Tuebingen
Classification: Uncertain significance. Last evaluated: 2023-11-01. Review status: criteria provided, single submitter. Criteria: CeGaT Center For Human Genetics Tuebingen Variant Classification Criteria Version 2. Collection method: clinical testing. Allele origin: germline. Affected: yes. Observed: 1 variant allele.
Comment: MED12: PM2, PM4:Supporting